The following is an entry in ClinVar:

ClinVar aggregate classification (germline): Uncertain significance (1 of 4 stars; one submission).

Submission:

GeneDx
Classification: Uncertain significance. Last evaluated: 2024-05-20. Review status: criteria provided, single submitter. Criteria: GeneDx Variant Classification Process June 2021. Collection method: clinical testing. Allele origin: germline. Affected: yes.
Comment: In silico analysis indicates that this missense variant does not alter protein structure/function; Has not been previously published as pathogenic or benign to our knowledge

NM_001009944.3(PKD1):c.3218A>C (p.Glu1073Ala)

Gene: PKD1 (polycystin 1, transient receptor potential channel interacting; minus strand). Cytogenetic location: 16p13.3.
Variant type: single nucleotide variant.
Coding change: c.3218A>C on transcript NM_001009944.3 (MANE Select); coding-DNA position 3218, A replaced by C.
Protein change: p.Glu1073Ala; replaces glutamic acid 1073 with alanine.
Molecular consequence: missense variant.
Genome position (GRCh38, 1-based): chr16:2,112,417, T>G on the plus strand (A>C on the coding strand, the complement: PKD1 is on the minus strand). VCF-style: chr16-2112417-T-G. GRCh37 (hg19) VCF-style: chr16-2162418-T-G.
Other names: c.3218A>C, p.Glu1073Ala (NM_000296.4); short protein forms E1073A.
Identifiers: ClinVar variation 3381526 (VCV003381526.1).